The following is an entry in ClinVar:

ClinVar aggregate classification (germline): Likely benign (1 of 4 stars; one submission).

Allele frequency attached by ClinVar (database versions not stated): gnomAD exomes 0.00001 and 0.00003.
gnomAD v4.1: 14 of 1,550,862 alleles (0.0009%); highest among the groups gnomAD compares: Middle Eastern, 0.033%; no homozygotes.

Submission:

Laboratory for Molecular Medicine, Mass General Brigham Personalized Medicine
Classification: Likely benign. Last evaluated: 2017-01-31. Review status: criteria provided, single submitter. Criteria: LMM Criteria. Collection method: clinical testing. Allele origin: germline. Observed: 1 variant allele.
Comment: p.Cys2869Cys in exon 55 of OTOG: This variant is not expected to have clinical s ignificance because it does not alter an amino acid residue and is not located w ithin the splice consensus sequence. It has been identified in 2/22548 South Asi an chromosomes by the Genome Aggregation Database (gnomAD).

NM_001292063.2(OTOG):c.8571C>T (p.Cys2857=)

Gene: OTOG (otogelin; plus strand). Cytogenetic location: 11p15.1.
Variant type: single nucleotide variant.
Coding change: c.8571C>T on transcript NM_001292063.2 (MANE Select); coding-DNA position 8571, C replaced by T.
Protein change: p.Cys2857=; no amino-acid change (cysteine 2857 retained).
Molecular consequence: synonymous variant.
Genome position (GRCh38, 1-based): chr11:17,645,773, C>T. VCF-style: chr11-17645773-C-T. GRCh37 (hg19) VCF-style: chr11-17667320-C-T.
Other names: c.8607C>T, p.Cys2869= (NM_001277269.2).
Identifiers: ClinVar variation 517261 (VCV000517261.5), dbSNP rs1166068398, ClinGen allele CA473300876.